The following is an entry in ClinVar:

NM_001354604.2(MITF):c.1380C>A (p.Asn460Lys)

Gene: MITF (melanocyte inducing transcription factor; plus strand). Cytogenetic location: 3p13.
Variant type: single nucleotide variant.
Coding change: c.1380C>A on transcript NM_001354604.2 (MANE Select); coding-DNA position 1380, C replaced by A.
Protein change: p.Asn460Lys; replaces asparagine 460 with lysine.
Molecular consequence: missense variant.
Genome position (GRCh38, 1-based): chr3:69,965,047, C>A. VCF-style: chr3-69965047-C-A. GRCh37 (hg19) VCF-style: chr3-70014198-C-A.
Other names: c.1059C>A, p.Asn353Lys (NM_000248.4); c.1206C>A, p.Asn402Lys (NM_001184967.2, NM_001354608.2); c.1377C>A, p.Asn459Lys (NM_001354605.2); c.1359C>A, p.Asn453Lys (NM_001354606.2, NM_006722.3); c.1311C>A, p.Asn437Lys (NM_001354607.2); c.1041C>A, p.Asn347Lys (NM_198158.3); c.1362C>A, p.Asn454Lys (NM_198159.3); c.1314C>A, p.Asn438Lys (NM_198177.3); and 1 more; short protein forms N291K, N347K, N353K, N402K, N437K, N438K, N453K, N454K.
Identifiers: ClinVar variation 4681044 (VCV004681044.1).

ClinVar aggregate classification (germline): Uncertain significance (1 of 4 stars; one submission).

Submission:

GeneDx
Classification: Uncertain significance. Last evaluated: 2025-06-30. Review status: criteria provided, single submitter. Criteria: GeneDx Variant Classification Process June 2021. Collection method: clinical testing. Allele origin: germline. Affected: yes.
Comment: Not observed at significant frequency in large population cohorts (gnomAD); In silico analysis suggests that this missense variant does not alter protein structure/function; Has not been previously published as pathogenic or benign to our knowledge